The following is an entry in ClinVar:

ClinVar aggregate classification (germline): Uncertain significance (1 of 4 stars; one submission).

Submission:

CeGaT Center for Human Genetics Tuebingen
Classification: Uncertain significance. Last evaluated: 2025-12-01. Review status: criteria provided, single submitter. Criteria: CeGaT Center For Human Genetics Tuebingen Variant Classification Criteria Version 2. Collection method: clinical testing. Allele origin: germline. Affected: yes. Observed: 1 variant allele.
Comment: CAMK2G: PM2, PP2, PP3

NM_001367534.1(CAMK2G):c.71C>T (p.Ala24Val)

Gene: CAMK2G (calcium/calmodulin dependent protein kinase II gamma; minus strand). Cytogenetic location: 10q22.2.
Variant type: single nucleotide variant.
Coding change: c.71C>T on transcript NM_001367534.1 (MANE Select); coding-DNA position 71, C replaced by T.
Protein change: p.Ala24Val; replaces alanine 24 with valine.
Molecular consequence: missense variant. On other transcripts: 5 prime UTR variant (6), non-coding transcript variant (6), intron variant (3).
Genome position (GRCh38, 1-based): chr10:73,873,078, G>A on the plus strand (C>T on the coding strand, the complement: CAMK2G is on the minus strand). VCF-style: chr10-73873078-G-A. GRCh37 (hg19) VCF-style: chr10-75632836-G-A.
Other names: c.71C>T, p.Ala24Val (NM_001204492.2, NM_001222.4, NM_001320898.2 and 28 more transcripts); c.-121C>T (NM_001367524.1, NM_001367537.1, NM_001367538.1 and 1 more transcripts); c.-501C>T (NM_001367540.1); c.-683C>T (NM_001367542.1); c.66-19C>T (NM_001367532.1, NM_001367525.1, NM_001367514.1); short protein forms A24V.
Identifiers: ClinVar variation 4822727 (VCV004822727.4).